The following is an entry in ClinVar:

ClinVar aggregate classification (germline): Conflicting classifications of pathogenicity. Review status: criteria provided, conflicting classifications (1 of 4 stars). 3 submissions from 3 submitters: Uncertain significance (1); Benign (1). 1 of the submissions does not count toward it. Last evaluated 2024-03-28.

Conditions:
FBN2-related disorder. Also called: FBN2-related condition.
Familial thoracic aortic aneurysm and aortic dissection (TAAD). Also called: Thoracic aortic aneurysms and dissections. Identifiers: Orphanet 91387, MedGen C4707243, MONDO:0019625.
Congenital contractural arachnodactyly (CCA). Also called: BEALS SYNDROME; Beals-Hecht syndrome; Arthrogryposis, distal, type 9. Identifiers: Orphanet 115, MedGen C0220668, MONDO:0007363, OMIM 121050.

Allele frequency attached by ClinVar (database versions not stated): TOPMed 0.00002; gnomAD 0.00006.
gnomAD v4.1: 6 of 1,613,854 alleles (0.00037%); highest among the groups gnomAD compares: African/African-American, 0.004%; no homozygotes.

Submissions (3):

Labcorp Genetics (formerly Invitae), Labcorp
Classification: Benign for Congenital contractural arachnodactyly. Last evaluated: 2024-03-28. Review status: criteria provided, single submitter. Criteria: Invitae Variant Classification Sherloc (09022015). Collection method: clinical testing. Allele origin: germline.

Ambry Genetics
Classification: Uncertain significance for Familial thoracic aortic aneurysm and aortic dissection. Last evaluated: 2016-03-17. Review status: criteria provided, single submitter. Criteria: Ambry Variant Classification Scheme 2023. Collection method: clinical testing. Allele origin: germline.
Comment: The p.T2278K variant (also known as c.6833C>A), located in coding exon 54 of the FBN2 gene, results from a C to A substitution at nucleotide position 6833. The threonine at codon 2278 is replaced by lysine, an amino acid with some similar properties. This variant was not reported in population based cohorts in the following databases: Database of Single Nucleotide Polymorphisms (dbSNP), NHLBI Exome Sequencing Project (ESP), and 1000 Genomes Project. In the ESP, this variant was not observed in 6503 samples (13006 alleles) with coverage at this position. This amino acid position is not well conserved in available vertebrate species. In addition, the in silico prediction for this alteration is inconclusive. Since supporting evidence is limited at this time, the clinical significance of this alteration remains unclear.

PreventionGenetics, part of Exact Sciences
Classification: Uncertain significance for FBN2-related condition. Last evaluated: 2024-01-24. Review status: no assertion criteria provided. Collection method: clinical testing. Allele origin: germline. Not counted in ClinVar's aggregate classification.
Comment: The FBN2 c.6833C>A variant is predicted to result in the amino acid substitution p.Thr2278Lys. To our knowledge, this variant has not been reported in the literature. This variant is reported in 0.023% of alleles in individuals of African descent in gnomAD. At this time, the clinical significance of this variant is uncertain due to the absence of conclusive functional and genetic evidence.

NM_001999.4(FBN2):c.6833C>A (p.Thr2278Lys)

Gene: FBN2 (fibrillin 2; minus strand). Cytogenetic location: 5q23.3.
Variant type: single nucleotide variant.
Coding change: c.6833C>A on transcript NM_001999.4 (MANE Select); coding-DNA position 6833, C replaced by A.
Protein change: p.Thr2278Lys; replaces threonine 2278 with lysine.
Molecular consequence: missense variant.
Genome position (GRCh38, 1-based): chr5:128,287,355, G>T on the plus strand (C>A on the coding strand, the complement: FBN2 is on the minus strand). VCF-style: chr5-128287355-G-T. GRCh37 (hg19) VCF-style: chr5-127623047-G-T.
Other names: short protein forms T2278K.
Identifiers: ClinVar variation 519569 (VCV000519569.9), dbSNP rs2307109, ClinGen allele CA360759591.